The following is an entry in ClinVar:

NM_001194998.2(CEP152):c.190C>T (p.Gln64Ter)

Gene: CEP152 (centrosomal protein 152; minus strand). Cytogenetic location: 15q21.1.
Variant type: single nucleotide variant.
Coding change: c.190C>T on transcript NM_001194998.2 (MANE Select); coding-DNA position 190, C replaced by T.
Protein change: p.Gln64Ter; replaces glutamine 64 with a stop codon.
Molecular consequence: nonsense.
Genome position (GRCh38, 1-based): chr15:48,797,949, G>A on the plus strand (C>T on the coding strand, the complement: CEP152 is on the minus strand). VCF-style: chr15-48797949-G-A. GRCh37 (hg19) VCF-style: chr15-49090146-G-A.
Other names: c.190C>T, p.Gln64Ter (NM_014985.4); short protein forms Q64*.
Identifiers: ClinVar variation 2837299 (VCV002837299.3), dbSNP rs1196655928, ClinGen allele CA392358476.

ClinVar aggregate classification (germline): Pathogenic (1 of 4 stars; one submission).

Allele frequency attached by ClinVar (database versions not stated): gnomAD exomes below 0.00001.
gnomAD v4.1: 1 of 1,613,052 alleles (0.000062%); highest among the groups gnomAD compares: East Asian, 0.0022%; no homozygotes.

Submission:

Labcorp Genetics (formerly Invitae), Labcorp
Classification: Pathogenic. Last evaluated: 2023-02-14. Review status: criteria provided, single submitter. Criteria: Invitae Variant Classification Sherloc (09022015). Collection method: clinical testing. Allele origin: germline.
Comment: This sequence change creates a premature translational stop signal (p.Gln64*) in the CEP152 gene. It is expected to result in an absent or disrupted protein product. Loss-of-function variants in CEP152 are known to be pathogenic (PMID: 21131973). This variant is present in population databases (no rsID available, gnomAD 0.006%). For these reasons, this variant has been classified as Pathogenic. This variant has not been reported in the literature in individuals affected with CEP152-related conditions.

Literature cited by the submitters: PubMed 21131973.